The following is an entry in ClinVar:

ClinVar aggregate classification (germline): Uncertain significance. Review status: criteria provided, multiple submitters, no conflicts (2 of 4 stars). 2 submissions from 2 submitters: Uncertain significance (2). Last evaluated 2026-08-22.

Conditions:
Hereditary cancer-predisposing syndrome. Also called: Tumor predisposition; Hereditary Cancer Syndrome; Hereditary neoplastic syndrome; Neoplastic Syndromes, Hereditary. Identifiers: Orphanet 140162, MedGen C0027672, MeSH D009386, MONDO:0015356.
Oligodontia-cancer predisposition syndrome. Also called: TOOTH AGENESIS-COLORECTAL CANCER SYNDROME. Identifiers: Orphanet 300576, MedGen C1837750, MONDO:0012075, OMIM 608615. Disease mechanism: loss of function.

Allele frequency attached by ClinVar (database versions not stated): gnomAD exomes below 0.00001.
gnomAD v4.1: 1 of 1,614,026 alleles (0.000062%); highest among the groups gnomAD compares: South Asian, 0.0011%; no homozygotes.

Submissions (2):

Ambry Genetics
Classification: Uncertain significance for Hereditary cancer-predisposing syndrome. Last evaluated: 2026-08-22. Review status: criteria provided, single submitter. Criteria: Ambry Variant Classification Scheme 2023. Collection method: clinical testing. Allele origin: germline.
Comment: The p.I178M variant (also known as c.534C>G), located in coding exon 1 of the AXIN2 gene, results from a C to G substitution at nucleotide position 534. The isoleucine at codon 178 is replaced by methionine, an amino acid with highly similar properties. This amino acid position is conserved. In addition, the in silico prediction for this alteration is inconclusive. Based on the available evidence, the clinical significance of this variant remains unclear.

Labcorp Genetics (formerly Invitae), Labcorp
Classification: Uncertain significance for Oligodontia-cancer predisposition syndrome. Last evaluated: 2022-01-11. Review status: criteria provided, single submitter. Criteria: Invitae Variant Classification Sherloc (09022015). Collection method: clinical testing. Allele origin: germline.
Comment: This sequence change replaces isoleucine, which is neutral and non-polar, with methionine, which is neutral and non-polar, at codon 178 of the AXIN2 protein (p.Ile178Met). This variant is not present in population databases (gnomAD no frequency). This variant has not been reported in the literature in individuals affected with AXIN2-related conditions. Algorithms developed to predict the effect of missense changes on protein structure and function are either unavailable or do not agree on the potential impact of this missense change (SIFT: "Deleterious"; PolyPhen-2: "Probably Damaging"; Align-GVGD: "Class C0"). In summary, the available evidence is currently insufficient to determine the role of this variant in disease. Therefore, it has been classified as a Variant of Uncertain Significance.

NM_004655.4(AXIN2):c.534C>G (p.Ile178Met)

Gene: AXIN2 (axin 2; minus strand). Cytogenetic location: 17q24.1.
Variant type: single nucleotide variant.
Coding change: c.534C>G on transcript NM_004655.4 (MANE Select); coding-DNA position 534, C replaced by G.
Protein change: p.Ile178Met; replaces isoleucine 178 with methionine.
Molecular consequence: missense variant.
Genome position (GRCh38, 1-based): chr17:65,558,087, G>C on the plus strand (C>G on the coding strand, the complement: AXIN2 is on the minus strand). VCF-style: chr17-65558087-G-C. GRCh37 (hg19) VCF-style: chr17-63554205-G-C.
Other names: c.534C>G, p.Ile178Met (NM_001363813.1); short protein forms I178M.
Identifiers: ClinVar variation 2191967 (VCV002191967.2), dbSNP rs751537079, ClinGen allele CA400680995.